The following is an entry in ClinVar:

ClinVar aggregate classification (germline): Pathogenic (1 of 4 stars; one submission).

Conditions:
Interstitial lung disease due to ABCA3 deficiency. Also called: PULMONARY ALVEOLAR PROTEINOSIS, CONGENITAL, 3. Identifiers: Orphanet 440402, MedGen C1970456, MONDO:0012582, OMIM 610921.

Submission:

Myriad Genetics, Inc.
Classification: Pathogenic for Interstitial lung disease due to ABCA3 deficiency. Last evaluated: 2025-12-27. Review status: criteria provided, single submitter. Criteria: Myriad Autosomal Dominant, Autosomal Recessive and X-Linked Classification Criteria (2023). Collection method: clinical testing. Allele origin: unknown.
Comment: NM_001089.2(ABCA3):c.1617delC(F539Lfs*14) is expected to be pathogenic in the context of surfactant deficiency, ABCA3-related. This variant is predicted to lead to an abnormal or absent protein product due to the creation of a premature termination codon in ABCA3, a gene where loss-of-function variants are known to be pathogenic. Please note: this variant was assessed in the context of healthy population screening.

NM_001089.3(ABCA3):c.1617del (p.Phe539fs)

Gene: ABCA3 (ATP binding cassette subfamily A member 3; minus strand). Cytogenetic location: 16p13.3.
Variant type: Deletion.
Coding change: c.1617del on transcript NM_001089.3 (MANE Select); coding-DNA position 1617, one base deleted (C; older notation c.1617delC).
Protein change: p.Phe539fs; shifts the reading frame from phenylalanine 539.
Molecular consequence: frameshift variant.
Genome position (GRCh38, 1-based): chr16:2,299,527, G deleted on the plus strand (C on the coding strand, the reverse complement: ABCA3 is on the minus strand). VCF-style (leftmost placement, unchanged base first): chr16-2299526-TG-T. GRCh37 (hg19) VCF-style: chr16-2349527-TG-T.
Other names: short protein forms F539fs.
Identifiers: ClinVar variation 5015373 (VCV005015373.1).